The following is an entry in ClinVar:

ClinVar aggregate classification (germline): Uncertain significance (1 of 4 stars; one submission).

gnomAD v4.1: 1 of 1,485,966 alleles (0.000067%); highest among the groups gnomAD compares: Non-Finnish European, 0.000094%; no homozygotes.

Submission:

Labcorp Genetics (formerly Invitae), Labcorp
Classification: Uncertain significance. Last evaluated: 2021-08-30. Review status: criteria provided, single submitter. Criteria: Invitae Variant Classification Sherloc (09022015). Collection method: clinical testing. Allele origin: germline.
Comment: This sequence change falls in intron 5 of the MTTP gene. It does not directly change the encoded amino acid sequence of the MTTP protein. It affects a nucleotide within the consensus splice site of the intron. This variant is not present in population databases (ExAC no frequency). This variant has not been reported in the literature in individuals affected with MTTP-related conditions. Variants that disrupt the consensus splice site are a relatively common cause of aberrant splicing (PMID: 17576681, 9536098). Algorithms developed to predict the effect of sequence changes on RNA splicing suggest that this variant may disrupt the consensus splice site. In summary, the available evidence is currently insufficient to determine the role of this variant in disease. Therefore, it has been classified as a Variant of Uncertain Significance.

Literature cited by the submitters: PubMed 17576681; PubMed 9536098.

NM_001386140.1(MTTP):c.501+6T>C

Gene: MTTP (microsomal triglyceride transfer protein; plus strand). Cytogenetic location: 4q23.
Variant type: single nucleotide variant.
Coding change: c.501+6T>C on transcript NM_001386140.1 (MANE Select); 6 bases into the intron after coding-DNA position 501, T replaced by C.
Molecular consequence: intron variant.
Genome position (GRCh38, 1-based): chr4:99,589,756, T>C. VCF-style: chr4-99589756-T-C. GRCh37 (hg19) VCF-style: chr4-100510913-T-C.
Other names: c.501+6T>C (NM_000253.4); c.252+6T>C (NM_001300785.2).
Identifiers: ClinVar variation 1982354 (VCV001982354.1), dbSNP rs2476103167, ClinGen allele CA2578152204.